The following is an entry in ClinVar:

NM_000329.3(RPE65):c.119G>A (p.Gly40Asp)

Gene: RPE65 (retinoid isomerohydrolase RPE65; minus strand). Cytogenetic location: 1p31.3.
Variant type: single nucleotide variant.
Coding change: c.119G>A on transcript NM_000329.3 (MANE Select); coding-DNA position 119, G replaced by A.
Protein change: p.Gly40Asp; replaces glycine 40 with aspartic acid.
Molecular consequence: missense variant.
Genome position (GRCh38, 1-based): chr1:68,446,836, C>T on the plus strand (G>A on the coding strand, the complement: RPE65 is on the minus strand). VCF-style: chr1-68446836-C-T. GRCh37 (hg19) VCF-style: chr1-68912519-C-T.
Other names: p.Gly40Asp; NM_000329.3(RPE65):c.119G>A; c.119G>A, p.Gly40Asp (NM_001406853.1, NM_001406859.1, NM_001406860.1); c.-158G>A (NM_001406857.1); short protein forms G40D.
Identifiers: ClinVar variation 2432988 (VCV002432988.8), dbSNP rs2523452284, ClinGen allele CA340749254.

ClinVar aggregate classification (germline): Likely pathogenic. Review status: reviewed by expert panel (3 of 4 stars). 4 submissions from 4 submitters: Likely pathogenic (1). 3 of the submissions do not count toward it. Last evaluated 2026-09-22.

Conditions:
Retinitis pigmentosa 20 (RP20). Identifiers: Orphanet 791, MedGen C3151086, MONDO:0013425, OMIM 613794.
Leber congenital amaurosis 2 (LCA2). Also called: AMAUROSIS CONGENITA OF LEBER II; Autosomal Recessive RPE65-Related Retinal Degeneration. Identifiers: Orphanet 65, MedGen C1859844, MONDO:0008765, OMIM 204100. Disease mechanism: loss of function.
RPE65-related recessive retinopathy. Also called: Recessive RPE65 retinopathy. Identifiers: MedGen CN305526, MONDO:0100368.

gnomAD v4.1: 1 of 1,613,748 alleles (0.000062%); highest among the groups gnomAD compares: Non-Finnish European, 0.000085%; no homozygotes.

Submissions (4):

ClinGen Leber Congenital Amaurosis/early Onset Retinal Dystrophy Variant Curation Expert Panel, ClinGen
Classification: Likely pathogenic for RPE65-related recessive retinopathy. Last evaluated: 2026-09-22. Review status: reviewed by expert panel. Criteria: ClinGen LCAeoRD ACMG Specifications RPE65 V1.0.0. Collection method: curation. Allele origin: germline. Inheritance: Autosomal recessive inheritance.
Comment: NM_000329.3(RPE65):c.119G>A (p.Gly40Asp) is a missense variant predicted to replace glycine with aspartate at position 40. This variant is present in gnomAD v.4.1.1 with an allele frequency of 1/1180032 alleles in the European (non-Finnish) population, which is lower than the ClinGen LCA / eoRD VCEP PM2_Supporting threshold of <0.0002 (PM2_Supporting). The computational predictor REVEL gives a score of 0.989, which is above the ClinGen LCA / eoRD VCEP threshold of ≥0.644 and predicts a damaging effect on RPE65 function (PP3_Moderate). This variant has been reported in at least 1 proband with early-onset severe retinal dystrophy who was homozygous for the variant (0.5 points, PMID: 28418496). This variant has also been reported in 1 proband with early-onset severe retinal dystrophy who was compound heterozygous with the RPE65 c.370C>T (p.Arg124Ter) variant suspected in trans (0.5 points, PMIDs: 31630094, 34830511), which was previously classified pathogenic by the ClinGen LCA / eoRD VCEP (1 total point, PM3). The variant has been reported to segregate with childhood-onset severe retinal dystrophy through the proband plus 1 similarly affected relative, with the variant present in the homozygous state (PP1; PMID: 28418496). At least one proband harboring this variant exhibits a phenotype including macular dystrophy (0.5 pts), congenital night blindness (0.5 pts) and onset of night blindness before age 1 (1 pt) whose testing included a panel of 188 known inherited retinal degeneration genes (2 pts), which together are specific for RPE65-related recessive retinopathy (4 points, PMID: 34830511, PP4). Another missense variant in the same codon NM_000329.3(RPE65):c.118G>A (p.Gly40Ser) has been classified as pathogenic for RPE65-related recessive retinopathy by the ClinGen LCA / eoRD VCEP (PM5_Supporting, PMID: 25257057, PMID: 33608557). Splicing prediction using SpliceAI did not strongly predict an effect on splicing due to either of these variants. In summary, this variant meets the criteria to be classified as Likely Pathogenic for RPE65-related recessive retinopathy based on the ACMG/AMP criteria applied, as specified by the ClinGen LCA / eoRD VCEP: PM2_Supporting, PM3, PP1, PP3_Moderate, PM5_Supporting, and PP4. (VCEP specifications version 1.0.0)

Medical Molecular Genetics Department, National Research Center
Classification: Likely pathogenic for Leber congenital amaurosis 2. Last evaluated: 2026-03-01. Review status: criteria provided, single submitter. Criteria: ACMG Guidelines, 2015. Collection method: research. Allele origin: germline. Affected: yes. Observed: 1 variant allele. Not counted in ClinVar's aggregate classification.
Comment: RPE65 c.119G>A (p.Gly40Asp): Absent from gnomAD. Reported in LCA patients (PMID:29332120, PMID:25257057). Homozygous segregation. Conserved N-terminal residue. REVEL=0.79. Classified Likely pathogenic (PM1,PM2,PM3,PP3)

Labcorp Genetics (formerly Invitae), Labcorp
Classification: Likely pathogenic for Leber congenital amaurosis 2; Retinitis pigmentosa 20. Last evaluated: 2023-07-31. Review status: criteria provided, single submitter. Criteria: Invitae Variant Classification Sherloc (09022015). Collection method: clinical testing. Allele origin: germline. Not counted in ClinVar's aggregate classification.
Comment: Advanced modeling of protein sequence and biophysical properties (such as structural, functional, and spatial information, amino acid conservation, physicochemical variation, residue mobility, and thermodynamic stability) performed at Invitae indicates that this missense variant is expected to disrupt RPE65 protein function. ClinVar contains an entry for this variant (Variation ID: 2432988). In summary, the currently available evidence indicates that the variant is pathogenic, but additional data are needed to prove that conclusively. Therefore, this variant has been classified as Likely Pathogenic. This variant disrupts the p.Gly40 amino acid residue in RPE65. Other variant(s) that disrupt this residue have been determined to be pathogenic (PMID: 9501220, 16150724, 19431183, 25257057, 29332120, 29785639). This suggests that this residue is clinically significant, and that variants that disrupt this residue are likely to be disease-causing. This missense change has been observed in individual(s) with autosomal recessive RPE65-related conditions (PMID: 28418496, 31630094). It has also been observed to segregate with disease in related individuals. This variant is not present in population databases (gnomAD no frequency). This sequence change replaces glycine, which is neutral and non-polar, with aspartic acid, which is acidic and polar, at codon 40 of the RPE65 protein (p.Gly40Asp).

Revvity Omics, Revvity
Classification: Likely pathogenic. Last evaluated: 2022-03-02. Review status: criteria provided, single submitter. Criteria: ACMG Guidelines, 2015. Collection method: clinical testing. Allele origin: germline. Not counted in ClinVar's aggregate classification.

Literature cited by the submitters: PubMed 29332120 (cited by Medical Molecular Genetics Department, National Research Center and Labcorp Genetics (formerly Invitae), Labcorp); PubMed 25257057 (cited by Medical Molecular Genetics Department, National Research Center and Labcorp Genetics (formerly Invitae), Labcorp); PubMed 9501220 (cited by Labcorp Genetics (formerly Invitae), Labcorp); PubMed 16150724 (cited by Labcorp Genetics (formerly Invitae), Labcorp); PubMed 19431183 (cited by Labcorp Genetics (formerly Invitae), Labcorp); PubMed 29785639 (cited by Labcorp Genetics (formerly Invitae), Labcorp); PubMed 28418496 (cited by Labcorp Genetics (formerly Invitae), Labcorp); PubMed 31630094 (cited by Labcorp Genetics (formerly Invitae), Labcorp).